The following is an entry in ClinVar:

ClinVar aggregate classification (germline): Uncertain significance. Review status: criteria provided, multiple submitters, no conflicts (2 of 4 stars). 8 submissions from 8 submitters: Uncertain significance (7). 1 of the submissions does not count toward it. Last evaluated 2025-12-04.

Conditions:
Inborn genetic diseases. Identifiers: MedGen C0950123, MeSH D030342.
Neuronal ceroid lipofuscinosis 2. Also called: TPP1-Related Neuronal Ceroid-Lipofuscinosis; JANSKY-BIELSCHOWSKY DISEASE NEURONAL CEROID LIPOFUSCINOSIS, LATE INFANTILE. Identifiers: Orphanet 168491, Orphanet 228349, Orphanet 79264, MedGen C1876161, MONDO:0008769, OMIM 204500.

Allele frequency attached by ClinVar (database versions not stated): gnomAD exomes below 0.00001 and 0.00003; TOPMed 0.00001; gnomAD 0.00002.
gnomAD v4.1: 45 of 1,570,864 alleles (0.0029%); highest among the groups gnomAD compares: Non-Finnish European, 0.0036%; no homozygotes.

Submissions (8):

Ambry Genetics
Classification: Uncertain significance for Inborn genetic diseases. Last evaluated: 2025-12-04. Review status: criteria provided, single submitter. Criteria: Ambry Variant Classification Scheme 2023. Collection method: clinical testing. Allele origin: germline.

Blueprint Genetics
Classification: Uncertain significance. Last evaluated: 2024-11-21. Review status: criteria provided, single submitter. Criteria: ACMG Guidelines, 2015. Collection method: clinical testing. Allele origin: germline.

ARUP Laboratories, Molecular Genetics and Genomics, ARUP Laboratories
Classification: Uncertain significance. Last evaluated: 2024-04-10. Review status: criteria provided, single submitter. Criteria: ARUP Molecular Germline Variant Investigation Process 2024. Collection method: clinical testing. Allele origin: germline.

Genomic Medicine Center of Excellence, King Faisal Specialist Hospital and Research Centre
Classification: Uncertain significance for Neuronal ceroid lipofuscinosis 2. Last evaluated: 2024-03-26. Review status: criteria provided, single submitter. Criteria: ACMG Guidelines, 2015. Collection method: clinical testing. Allele origin: germline.

Labcorp Genetics (formerly Invitae), Labcorp
Classification: Uncertain significance. Last evaluated: 2022-10-13. Review status: criteria provided, single submitter. Criteria: Invitae Variant Classification Sherloc (09022015). Collection method: clinical testing. Allele origin: germline.
Comment: This sequence change replaces arginine, which is basic and polar, with glutamine, which is neutral and polar, at codon 297 of the TPP1 protein (p.Arg297Gln). The frequency data for this variant in the population databases is considered unreliable, as metrics indicate poor data quality at this position in the gnomAD database. This variant has not been reported in the literature in individuals affected with TPP1-related conditions. ClinVar contains an entry for this variant (Variation ID: 207584). Advanced modeling of protein sequence and biophysical properties (such as structural, functional, and spatial information, amino acid conservation, physicochemical variation, residue mobility, and thermodynamic stability) performed at Invitae indicates that this missense variant is expected to disrupt TPP1 protein function. In summary, the available evidence is currently insufficient to determine the role of this variant in disease. Therefore, it has been classified as a Variant of Uncertain Significance.

GeneDx
Classification: Uncertain significance. Last evaluated: 2017-06-29. Review status: criteria provided, single submitter. Criteria: GeneDx Variant Classification (06012015). Collection method: clinical testing. Allele origin: germline. Affected: yes.
Comment: p.Arg297Gln (CGG>CAG): c.890 G>A in exon 8 of the TPP1 gene (NM_000391.3) The R297Q variant has not been published as a mutation, nor has it been reported as a benign polymorphism to our knowledge. It was not observed in approximately 6,500 individuals of European and African American ancestry in the NHLBI Exome Sequencing Project, indicating it is not a common benign variant in these populations. The R297Q variant is a semi-conservative amino acid substitution, which may impact secondary protein structure as these residues differ in some properties. This substitution occurs at a position that is conserved across species. However, in silico analysis is inconsistent in its predictions as to whether or not the variant is damaging to the protein structure/function. Therefore, based on the currently available information, it is unclear whether this variant is a pathogenic mutation or a rare benign variant and is interpreted to be of uncertain significance. The variant is found in EPILEPSY panel(s).

Illumina Laboratory Services, Illumina
Classification: Uncertain significance for Neuronal ceroid lipofuscinosis 2. Last evaluated: 2017-04-27. Review status: criteria provided, single submitter. Criteria: ICSL Variant Classification Criteria 13 December 2019. Collection method: clinical testing. Allele origin: germline.

Natera, Inc.
Classification: Uncertain significance for Neuronal ceroid lipofuscinosis 2. Last evaluated: 2020-02-21. Review status: no assertion criteria provided. Collection method: clinical testing. Allele origin: germline. Not counted in ClinVar's aggregate classification.

NM_000391.4(TPP1):c.890G>A (p.Arg297Gln)

Gene: TPP1 (tripeptidyl peptidase 1; minus strand). Cytogenetic location: 11p15.4.
Variant type: single nucleotide variant.
Coding change: c.890G>A on transcript NM_000391.4 (MANE Select); coding-DNA position 890, G replaced by A.
Protein change: p.Arg297Gln; replaces arginine 297 with glutamine.
Molecular consequence: missense variant.
Genome position (GRCh38, 1-based): chr11:6,616,500, C>T on the plus strand (G>A on the coding strand, the complement: TPP1 is on the minus strand). VCF-style: chr11-6616500-C-T. GRCh37 (hg19) VCF-style: chr11-6637731-C-T.
Other names: p.R297Q:CGG>CAG; short protein forms R297Q.
Identifiers: ClinVar variation 207584 (VCV000207584.19), dbSNP rs796053441, ClinGen allele CA319194.
Genomic context (GRCh38, chr11:6,616,500, plus strand): 5'-AGGGCTGACTCATTACTGAGCAGCATGAGCCACTGCAGGAAGGGCTCCTGTCCCTCATGC[C>T]GGCCTGGATTTTTTTTTTTTTTTTTTTTGAGGGATGGGCACAAAGATAGTCACTGGGGGT-3'
Protein context (NP_000382.3, residues 287-307): ISTWVYSSPG[Arg297Gln]HEGQEPFLQW